The following is an entry in ClinVar:

ClinVar aggregate classification (germline): Uncertain significance. Review status: criteria provided, single submitter (1 of 4 stars). 2 submissions from 2 submitters: Uncertain significance (1). 1 of the submissions does not count toward it. Last evaluated 2022-03-24.

Conditions:
Glucose-6-phosphate transport defect (GSD1B). Also called: Glycogen Storage Disease Type Ib; GSD Ib. Identifiers: Orphanet 364, Orphanet 79259, MedGen C0268146, MONDO:0009288, OMIM 232220.

Allele frequency attached by ClinVar (database versions not stated): gnomAD exomes below 0.00001.

Submissions (2):

Labcorp Genetics (formerly Invitae), Labcorp
Classification: Uncertain significance for Glucose-6-phosphate transport defect. Last evaluated: 2022-03-24. Review status: criteria provided, single submitter. Criteria: Invitae Variant Classification Sherloc (09022015). Collection method: clinical testing. Allele origin: germline.
Comment: In summary, the available evidence is currently insufficient to determine the role of this variant in disease. Therefore, it has been classified as a Variant of Uncertain Significance. Experimental studies and prediction algorithms are not available or were not evaluated, and the functional significance of this variant is currently unknown. ClinVar contains an entry for this variant (Variation ID: 554500). This variant has not been reported in the literature in individuals affected with SLC37A4-related conditions. This variant is not present in population databases (gnomAD no frequency). This sequence change replaces methionine, which is neutral and non-polar, with threonine, which is neutral and polar, at codon 372 of the SLC37A4 protein (p.Met372Thr).

Counsyl
Classification: Uncertain significance for Glucose-6-phosphate transport defect. Last evaluated: 2017-10-26. Review status: no assertion criteria provided. Collection method: clinical testing. Allele origin: unknown. Not counted in ClinVar's aggregate classification.

NM_001164277.2(SLC37A4):c.1115T>C (p.Met372Thr)

Gene: SLC37A4 (solute carrier family 37 member 4; minus strand). Cytogenetic location: 11q23.3.
Variant type: single nucleotide variant.
Coding change: c.1115T>C on transcript NM_001164277.2 (MANE Select); coding-DNA position 1115, T replaced by C.
Protein change: p.Met372Thr; replaces methionine 372 with threonine.
Molecular consequence: missense variant.
Genome position (GRCh38, 1-based): chr11:119,025,199, A>G on the plus strand (T>C on the coding strand, the complement: SLC37A4 is on the minus strand). VCF-style: chr11-119025199-A-G. GRCh37 (hg19) VCF-style: chr11-118895909-A-G.
Other names: c.1181T>C, p.Met394Thr (NM_001164278.2); c.896T>C, p.Met299Thr (NM_001164279.2); c.1115T>C, p.Met372Thr (NM_001164280.2, NM_001467.6); short protein forms M372T, M299T, M394T.
Identifiers: ClinVar variation 554500 (VCV000554500.6), dbSNP rs1555190443, ClinGen allele CA382895138.